The following is an entry in ClinVar:

ClinVar aggregate classification (germline): Benign. Review status: criteria provided, single submitter (1 of 4 stars). 2 submissions from 2 submitters: Benign (1). 1 of the submissions does not count toward it. Last evaluated 2025-01-15.

Conditions:
Familial cancer of breast. Also called: BREAST CANCER, FAMILIAL; Hereditary breast cancer; hereditary breast carcinoma. Identifiers: Orphanet 227535, MedGen C0346153, MONDO:0016419, OMIM 114480. Disease mechanism: loss of function.

Submissions (2):

Myriad Genetics, Inc.
Classification: Benign for Familial cancer of breast. Last evaluated: 2025-01-15. Review status: criteria provided, single submitter. Criteria: Myriad Autosomal Dominant, Autosomal Recessive and X-Linked Classification Criteria (2023). Collection method: clinical testing. Allele origin: unknown.
Comment: This variant is considered benign. This variant is a silent/synonymous amino acid change and it is not expected to impact splicing.

Leiden Open Variation Database
Classification: Uncertain significance. Last evaluated: 2018-10-10. Review status: no assertion criteria provided. Collection method: curation. Allele origin: germline. Affected: yes. Not counted in ClinVar's aggregate classification.
Comment: Curators: Marc Tischkowitz, Arleen D. Auerbach. Submitter to LOVD: Yukihide Momozawa.

Literature cited by the submitters: PubMed 30287823 (cited by Leiden Open Variation Database).

NM_024675.4(PALB2):c.2160C>T (p.Thr720=)

Gene: PALB2 (partner and localizer of BRCA2; minus strand). Cytogenetic location: 16p12.2.
Variant type: single nucleotide variant.
Coding change: c.2160C>T on transcript NM_024675.4 (MANE Select); coding-DNA position 2160, C replaced by T.
Protein change: p.Thr720=; no amino-acid change (threonine 720 retained).
Molecular consequence: synonymous variant.
Genome position (GRCh38, 1-based): chr16:23,629,994, G>A on the plus strand (C>T on the coding strand, the complement: PALB2 is on the minus strand). VCF-style: chr16-23629994-G-A. GRCh37 (hg19) VCF-style: chr16-23641315-G-A.
Identifiers: ClinVar variation 830159 (VCV000830159.2), dbSNP rs1430544638, ClinGen allele CA494461135.